The following is an entry in ClinVar:

NM_001692.4(ATP6V1B1):c.1141C>T (p.Gln381Ter)

Gene: ATP6V1B1 (ATPase H+ transporting V1 subunit B1; plus strand). Cytogenetic location: 2p13.3.
Variant type: single nucleotide variant.
Coding change: c.1141C>T on transcript NM_001692.4 (MANE Select); coding-DNA position 1141, C replaced by T.
Protein change: p.Gln381Ter; replaces glutamine 381 with a stop codon.
Molecular consequence: nonsense.
Genome position (GRCh38, 1-based): chr2:70,963,652, C>T. VCF-style: chr2-70963652-C-T. GRCh37 (hg19) VCF-style: chr2-71190782-C-T.
Other names: short protein forms Q381*.
Identifiers: ClinVar variation 5013807 (VCV005013807.1).

ClinVar aggregate classification (germline): Pathogenic (1 of 4 stars; one submission).

Conditions:
Renal tubular acidosis with progressive nerve deafness. Also called: RENAL TUBULAR ACIDOSIS, AUTOSOMAL RECESSIVE, WITH PROGRESSIVE NERVE DEAFNESS; RTA WITH PROGRESSIVE NERVE DEAFNESS; Distal Renal Tubular Acidosis with Progressive Sensorineural Deafness; renal tubular acidosis, distal, 2, with progressive sensorineural hearing loss. Identifiers: MedGen C0403554, MONDO:0009968, OMIM 267300.

Submission:

Myriad Genetics, Inc.
Classification: Pathogenic for Renal tubular acidosis with progressive nerve deafness. Last evaluated: 2024-11-26. Review status: criteria provided, single submitter. Criteria: Myriad Autosomal Dominant, Autosomal Recessive and X-Linked Classification Criteria (2023). Collection method: clinical testing. Allele origin: unknown.
Comment: NM_001692.3(ATP6V1B1):c.1141C>T(Q381*) is expected to be pathogenic in the context of distal renal tubular acidosis with deafness, ATP6V1B1-related. This variant is predicted to lead to an abnormal or absent protein product due to the creation of a premature termination codon in ATP6V1B1, a gene where loss-of-function variants are known to be pathogenic. Please note: this variant was assessed in the context of healthy population screening.